The following is an entry in ClinVar:

NM_021975.4(RELA):c.985C>T (p.Arg329Ter)

Genes: SIPA1 (signal-induced proliferation-associated 1; plus strand), RELA (RELA proto-oncogene, NF-kB subunit; minus strand). Cytogenetic location: 11q13.1.
Variant type: single nucleotide variant.
Coding change: c.985C>T on transcript NM_021975.4 (MANE Select); coding-DNA position 985, C replaced by T.
Protein change: p.Arg329Ter; replaces arginine 329 with a stop codon.
Molecular consequence: nonsense.
Genome position (GRCh38, 1-based): chr11:65,655,736, G>A on the plus strand (C>T on the coding strand, the complement: RELA is on the minus strand). VCF-style: chr11-65655736-G-A. GRCh37 (hg19) VCF-style: chr11-65423207-G-A.
Other names: c.976C>T, p.Arg326Ter (NM_001145138.2); c.985C>T, p.Arg329Ter (NM_001243984.2, NM_001243985.2); short protein forms R326*, R329*.
Identifiers: ClinVar variation 1075392 (VCV001075392.9), dbSNP rs1193014025, ClinGen allele CA381389341.
Genomic context (GRCh38, chr11:65,655,736, plus strand): 5'-GGAAATCCTTACCTGGCTTGGGGACAGAAGCTGAGCTGCGGGAAGGCACAGCAATGCGTC[G>A]AGGTGGAGGCCGGGGGTCGGTGGGTCCTGTAGGGCAAGGGCTAGGTCAGTTCTCAGCCCC-3'

ClinVar aggregate classification (germline): Pathogenic/Likely pathogenic. Review status: criteria provided, multiple submitters, no conflicts (2 of 4 stars). 3 submissions from 3 submitters: Pathogenic (1); Likely pathogenic (2). Last evaluated 2024-09-25.

Conditions:
Autoinflammatory disease, familial, Behcet-like-3. Also called: Mucocutaneous ulceration, chronic. Identifiers: Orphanet 596759, MedGen C4748997, MONDO:0032659, OMIM 618287.

gnomAD v4.1: 1 of 1,614,098 alleles (0.000062%); highest among the groups gnomAD compares: Middle Eastern, 0.016%; no homozygotes.

Submissions (3):

Institute of Medical Genetics and Applied Genomics, University Hospital Tübingen
Classification: Likely pathogenic for Autoinflammatory disease, familial, Behcet-like-3. Last evaluated: 2024-09-25. Review status: criteria provided, single submitter. Criteria: ACMG Guidelines, 2015. Collection method: clinical testing. Allele origin: germline. Inheritance: Autosomal dominant inheritance. Affected: yes.

Labcorp Genetics (formerly Invitae), Labcorp
Classification: Pathogenic. Last evaluated: 2023-10-15. Review status: criteria provided, single submitter. Criteria: Invitae Variant Classification Sherloc (09022015). Collection method: clinical testing. Allele origin: germline.
Comment: This sequence change creates a premature translational stop signal (p.Arg329*) in the RELA gene. It is expected to result in an absent or disrupted protein product. Loss-of-function variants in RELA are known to be pathogenic (PMID: 28600438). This variant is not present in population databases (gnomAD no frequency). This premature translational stop signal has been observed in individual(s) with RELA-related conditions (PMID: 36926348). It has also been observed to segregate with disease in related individuals. ClinVar contains an entry for this variant (Variation ID: 1075392). For these reasons, this variant has been classified as Pathogenic.

3billion
Classification: Likely pathogenic for Autoinflammatory disease, familial, Behcet-like-3. Last evaluated: 2022-05-22. Review status: criteria provided, single submitter. Criteria: ACMG Guidelines, 2015. Collection method: clinical testing. Allele origin: germline. Affected: yes. Observed: 1 heterozygote.
Comment: The variant is not observed in the gnomAD v2.1.1 dataset. Stop-gained (nonsense): predicted to result in a loss or disruption of normal protein function through protein truncation. The predicted truncated protein may be shortened by more than 10%. The variant has been reported to be associated with RELA related disorder (ClinVar ID: VCV001075392). Therefore, this variant is classified as likely pathogenic according to the recommendation of ACMG/AMP guideline.

Literature cited by the submitters: PubMed 28600438 (cited by Labcorp Genetics (formerly Invitae), Labcorp); PubMed 36926348 (cited by Labcorp Genetics (formerly Invitae), Labcorp).